The following is an entry in ClinVar:

NM_032776.3(JMJD1C):c.3836A>C (p.Asn1279Thr)

Gene: JMJD1C (jumonji domain containing 1C; minus strand). Cytogenetic location: 10q21.3.
Variant type: single nucleotide variant.
Coding change: c.3836A>C on transcript NM_032776.3 (MANE Select); coding-DNA position 3836, A replaced by C.
Protein change: p.Asn1279Thr; replaces asparagine 1279 with threonine.
Molecular consequence: missense variant. On other transcripts: non-coding transcript variant (1).
Genome position (GRCh38, 1-based): chr10:63,207,833, T>G on the plus strand (A>C on the coding strand, the complement: JMJD1C is on the minus strand). VCF-style: chr10-63207833-T-G. GRCh37 (hg19) VCF-style: chr10-64967593-T-G.
Other names: c.3290A>C, p.Asn1097Thr (NM_001282948.2, NM_001318154.2); c.2972A>C, p.Asn991Thr (NM_001318153.2); c.3722A>C, p.Asn1241Thr (NM_001322252.2); c.3179A>C, p.Asn1060Thr (NM_001322254.2, NM_001322258.2); short protein forms N1097T, N1279T, N1060T, N991T, N1241T.
Identifiers: ClinVar variation 847263 (VCV000847263.9), dbSNP rs780696924, ClinGen allele CA5518371.

ClinVar aggregate classification (germline): Uncertain significance (1 of 4 stars; one submission).

Conditions:
Early Myoclonic Encephalopathy. Identifiers: MedGen C0270855.

Submission:

Labcorp Genetics (formerly Invitae), Labcorp
Classification: Uncertain significance for Early Myoclonic Encephalopathy. Last evaluated: 2019-11-25. Review status: criteria provided, single submitter. Criteria: Invitae Variant Classification Sherloc (09022015). Collection method: clinical testing. Allele origin: germline.
Comment: This sequence change replaces asparagine with threonine at codon 1279 of the JMJD1C protein (p.Asn1279Thr). The asparagine residue is moderately conserved and there is a small physicochemical difference between asparagine and threonine. In summary, the available evidence is currently insufficient to determine the role of this variant in disease. Therefore, it has been classified as a Variant of Uncertain Significance. Algorithms developed to predict the effect of missense changes on protein structure and function are either unavailable or do not agree on the potential impact of this missense change (SIFT: "Deleterious"; PolyPhen-2: "Benign"; Align-GVGD: "Class C0"). This variant has not been reported in the literature in individuals with JMJD1C-related conditions. This variant is present in population databases (rs780696924, ExAC 0.001%).